The following is an entry in ClinVar:

NM_144687.4(NLRP12):c.2440G>A (p.Gly814Arg)

Gene: NLRP12 (NLR family pyrin domain containing 12; minus strand). Cytogenetic location: 19q13.42.
Variant type: single nucleotide variant.
Coding change: c.2440G>A on transcript NM_144687.4 (MANE Select); coding-DNA position 2440, G replaced by A.
Protein change: p.Gly814Arg; replaces glycine 814 with arginine.
Molecular consequence: missense variant.
Genome position (GRCh38, 1-based): chr19:53,804,097, C>T on the plus strand (G>A on the coding strand, the complement: NLRP12 is on the minus strand). VCF-style: chr19-53804097-C-T. GRCh37 (hg19) VCF-style: chr19-54307351-C-T.
Other names: c.2443G>A, p.Gly815Arg (NM_001277126.2); c.2440G>A, p.Gly814Arg (NM_001277129.1); short protein forms G815R, G814R.
Identifiers: ClinVar variation 658122 (VCV000658122.24), dbSNP rs149903344, ClinGen allele CA9639072.
Genomic context (GRCh38, chr19:53,804,097, plus strand): 5'-GGTCCAACTCAACCAGATGTGGGTTGGTGCCGAGCACAGAAGCCATCTCCTGACAAGCCC[C>T]GGACTCCAGCTGACACTTCCTCAACCTTGGGAGGAAGGAGAGGTTGAAGGGGACGCCATC-3'
Protein context (NP_653288.1, residues 804-824): IQLRKCQLES[Gly814Arg]ACQEMASVLG

ClinVar aggregate classification (germline): Uncertain significance. Review status: criteria provided, multiple submitters, no conflicts (2 of 4 stars). 3 submissions from 3 submitters: Uncertain significance (3). Last evaluated 2025-12-15.

Conditions:
Autoinflammatory syndrome. Identifiers: Orphanet 93665, MedGen C3890737, MONDO:0019751.
Familial cold autoinflammatory syndrome 2 (FCAS2). Identifiers: Orphanet 247868, MedGen C2673198, MONDO:0012724, OMIM 611762.

Allele frequency attached by ClinVar (database versions not stated): TOPMed 0.00006; gnomAD 0.00007 and 0.00008; ESP Exome Variant Server 0.00008.
gnomAD v4.1: 37 of 1,613,872 alleles (0.0023%); highest among the groups gnomAD compares: Middle Eastern, 0.016%; no homozygotes.

Submissions (3):

Labcorp Genetics (formerly Invitae), Labcorp
Classification: Uncertain significance for Familial cold autoinflammatory syndrome 2. Last evaluated: 2025-12-15. Review status: criteria provided, single submitter. Criteria: Invitae Variant Classification Sherloc (09022015). Collection method: clinical testing. Allele origin: germline.
Comment: This sequence change replaces glycine, which is neutral and non-polar, with arginine, which is basic and polar, at codon 814 of the NLRP12 protein (p.Gly814Arg). This variant is present in population databases (rs149903344, gnomAD 0.02%). This variant has not been reported in the literature in individuals affected with NLRP12-related conditions. ClinVar contains an entry for this variant (Variation ID: 658122). Invitae Evidence Modeling of protein sequence and biophysical properties (such as structural, functional, and spatial information, amino acid conservation, physicochemical variation, residue mobility, and thermodynamic stability) indicates that this missense variant is not expected to disrupt NLRP12 protein function with a negative predictive value of 80%. In summary, the available evidence is currently insufficient to determine the role of this variant in disease. Therefore, it has been classified as a Variant of Uncertain Significance.

CeGaT Center for Human Genetics Tuebingen
Classification: Uncertain significance. Last evaluated: 2025-02-01. Review status: criteria provided, single submitter. Criteria: CeGaT Center For Human Genetics Tuebingen Variant Classification Criteria Version 2. Collection method: clinical testing. Allele origin: germline. Affected: yes. Observed: 1 variant allele.
Comment: NLRP12: PM2, BP4

Genome Diagnostics Laboratory, The Hospital for Sick Children
Classification: Uncertain significance for Autoinflammatory syndrome. Last evaluated: 2019-02-01. Review status: criteria provided, single submitter. Criteria: ACMG Guidelines, 2015. Collection method: clinical testing. Allele origin: germline. Affected: yes.